The following is an entry in ClinVar:

NM_001904.4(CTNNB1):c.2042C>T (p.Ser681Phe)

Gene: CTNNB1 (catenin beta 1; plus strand). Cytogenetic location: 3p22.1.
Variant type: single nucleotide variant.
Coding change: c.2042C>T on transcript NM_001904.4 (MANE Select); coding-DNA position 2042, C replaced by T.
Protein change: p.Ser681Phe; replaces serine 681 with phenylalanine.
Molecular consequence: missense variant.
Genome position (GRCh38, 1-based): chr3:41,236,675, C>T. VCF-style: chr3-41236675-C-T. GRCh37 (hg19) VCF-style: chr3-41278166-C-T.
Other names: c.2042C>T, p.Ser681Phe (NM_001098209.2, NM_001098210.2); c.2021C>T, p.Ser674Phe (NM_001330729.2); short protein forms S674F, S681F.
Identifiers: ClinVar variation 1336533 (VCV001336533.6), dbSNP rs772401455, ClinGen allele CA2331241.
Genomic context (GRCh38, chr3:41,236,675, plus strand): 5'-GAATGTCTGAGGACAAGCCACAAGATTACAAGAAACGGCTTTCAGTTGAGCTGACCAGCT[C>T]TCTCTTCAGAACAGAGCCAATGGCTTGGAATGAGGTAGGGAAATGTGAGCAGTTATTTAT-3'
Protein context (NP_001895.1, residues 671-691): KKRLSVELTS[Ser681Phe]LFRTEPMAWN

ClinVar aggregate classification (germline): Conflicting classifications of pathogenicity. Review status: criteria provided, conflicting classifications (1 of 4 stars). 2 submissions from 2 submitters: Uncertain significance (1); Likely benign (1). Last evaluated 2025-04-17.

Allele frequency attached by ClinVar (database versions not stated): ExAC 0.00001; gnomAD exomes below 0.00001.
gnomAD v4.1: 1 of 1,614,118 alleles (0.000062%); highest among the groups gnomAD compares: Non-Finnish European, 0.000085%; no homozygotes.

Submissions (2):

GeneDx
Classification: Uncertain significance. Last evaluated: 2025-04-17. Review status: criteria provided, single submitter. Criteria: GeneDx Variant Classification Process June 2021. Collection method: clinical testing. Allele origin: germline.
Comment: In silico analysis supports that this missense variant has a deleterious effect on protein structure/function; Has not been previously published as pathogenic or benign to our knowledge; This variant is associated with the following publications: (PMID: Mondal2021[Screenshot])

Genetic Services Laboratory, University of Chicago
Classification: Likely benign. Last evaluated: 2018-06-19. Review status: criteria provided, single submitter. Criteria: ACMG Guidelines, 2015. Collection method: clinical testing. Allele origin: germline. Affected: no.